The following is an entry in ClinVar:

NM_006269.2(RP1):c.2543G>A (p.Arg848Lys)

Gene: RP1 (RP1 axonemal microtubule associated; plus strand). Cytogenetic location: 8q12.1.
Variant type: single nucleotide variant.
Coding change: c.2543G>A on transcript NM_006269.2 (MANE Select); coding-DNA position 2543, G replaced by A.
Protein change: p.Arg848Lys; replaces arginine 848 with lysine.
Molecular consequence: missense variant. On other transcripts: intron variant (1).
Genome position (GRCh38, 1-based): chr8:54,626,425, G>A. VCF-style: chr8-54626425-G-A. GRCh37 (hg19) VCF-style: chr8-55538985-G-A.
Other names: c.787+4137G>A (NM_001375654.1); short protein forms R848K.
Identifiers: ClinVar variation 1009559 (VCV001009559.8), dbSNP rs1806051597, ClinGen allele CA370994076.

ClinVar aggregate classification (germline): Uncertain significance (1 of 4 stars; one submission).

Allele frequency attached by ClinVar (database versions not stated): gnomAD exomes below 0.00001.
gnomAD v4.1: 4 of 1,613,670 alleles (0.00025%); highest among the groups gnomAD compares: Non-Finnish European, 0.00034%; no homozygotes.

Submission:

Labcorp Genetics (formerly Invitae), Labcorp
Classification: Uncertain significance. Last evaluated: 2022-07-05. Review status: criteria provided, single submitter. Criteria: Invitae Variant Classification Sherloc (09022015). Collection method: clinical testing. Allele origin: germline.
Comment: In summary, the available evidence is currently insufficient to determine the role of this variant in disease. Therefore, it has been classified as a Variant of Uncertain Significance. Algorithms developed to predict the effect of missense changes on protein structure and function output the following: SIFT: "Tolerated"; PolyPhen-2: "Benign"; Align-GVGD: "Class C0". The lysine amino acid residue is found in multiple mammalian species, which suggests that this missense change does not adversely affect protein function. ClinVar contains an entry for this variant (Variation ID: 1009559). This variant has not been reported in the literature in individuals affected with RP1-related conditions. This variant is not present in population databases (gnomAD no frequency). This sequence change replaces arginine, which is basic and polar, with lysine, which is basic and polar, at codon 848 of the RP1 protein (p.Arg848Lys).